The following is an entry in ClinVar:

NM_014738.6(TMEM94):c.144+10C>T

Gene: TMEM94 (transmembrane protein 94; plus strand). Cytogenetic location: 17q25.1.
Variant type: single nucleotide variant.
Coding change: c.144+10C>T on transcript NM_014738.6 (MANE Select); 10 bases into the intron after coding-DNA position 144, C replaced by T.
Molecular consequence: intron variant.
Genome position (GRCh38, 1-based): chr17:75,485,557, C>T. VCF-style: chr17-75485557-C-T. GRCh37 (hg19) VCF-style: chr17-73481638-C-T.
Other names: c.144+10C>T (NM_001321149.2, NM_001351202.2); c.174+10C>T (NM_001321148.2, NM_001351203.2).
Identifiers: ClinVar variation 3034903 (VCV003034903.3), dbSNP rs142094018, ClinGen allele CA8761338.

ClinVar aggregate classification (germline): Likely benign. Review status: criteria provided, single submitter (1 of 4 stars). 2 submissions from 2 submitters: Likely benign (1). 1 of the submissions does not count toward it. Last evaluated 2024-06-19.

Conditions:
TMEM94-related disorder. Also called: TMEM94-related condition.

Allele frequency attached by ClinVar (database versions not stated): gnomAD exomes 0.00010; ExAC 0.00040; 1000 Genomes Project 30x 0.00094; 1000 Genomes Project 0.00100; gnomAD 0.00119; TOPMed 0.00131; ESP Exome Variant Server 0.00169.
gnomAD v4.1: 335 of 1,614,132 alleles (0.021%); highest among the groups gnomAD compares: African/African-American, 0.42%; 3 homozygotes.

Submissions (2):

Blueprint Genetics
Classification: Likely benign. Last evaluated: 2024-06-19. Review status: criteria provided, single submitter. Criteria: ACMG Guidelines, 2015. Collection method: clinical testing. Allele origin: germline.

PreventionGenetics, part of Exact Sciences
Classification: Likely benign for TMEM94-related condition. Last evaluated: 2019-08-09. Review status: no assertion criteria provided. Collection method: clinical testing. Allele origin: germline. Not counted in ClinVar's aggregate classification.
Comment: This variant is classified as likely benign based on ACMG/AMP sequence variant interpretation guidelines (Richards et al. 2015 PMID: 25741868, with internal and published modifications).